The following is an entry in ClinVar:

NM_001142864.4(PIEZO1):c.4496-8T>A

Gene: PIEZO1 (piezo type mechanosensitive ion channel component 1 (Er blood group); minus strand). Cytogenetic location: 16q24.3.
Variant type: single nucleotide variant.
Coding change: c.4496-8T>A on transcript NM_001142864.4 (MANE Select); 8 bases into the intron before coding-DNA position 4496, T replaced by A.
Molecular consequence: intron variant.
Genome position (GRCh38, 1-based): chr16:88,723,017, A>T on the plus strand (T>A on the coding strand, the complement: PIEZO1 is on the minus strand). VCF-style: chr16-88723017-A-T. GRCh37 (hg19) VCF-style: chr16-88789425-A-T.
Identifiers: ClinVar variation 751121 (VCV000751121.7), dbSNP rs1276959926, ClinGen allele CA915949387.
Genomic context (GRCh38, chr16:88,723,017, plus strand): 5'-CATCCACAGGAACTGCGCCGTGCTCAGCACCCTCTGCACCACATGGCTCCGGCCTGCGGG[A>T]GGGCGGGAGGGGGCGCTGGAGGGGCAGCCTGTGGGGCCAAGAGAGACCTCCCACTCCCCA-3'

ClinVar aggregate classification (germline): Likely benign. Review status: criteria provided, multiple submitters, no conflicts (2 of 4 stars). 3 submissions from 3 submitters: Likely benign (2). 1 of the submissions does not count toward it. Last evaluated 2024-10-04.

Conditions:
PIEZO1-related disorder. Also called: PIEZO1-Related Disorders; PIEZO1-related condition.

Submissions (3):

Blueprint Genetics
Classification: Likely benign. Last evaluated: 2024-10-04. Review status: criteria provided, single submitter. Criteria: ACMG Guidelines, 2015. Collection method: clinical testing. Allele origin: germline.

Labcorp Genetics (formerly Invitae), Labcorp
Classification: Likely benign. Last evaluated: 2019-12-31. Review status: criteria provided, single submitter. Criteria: Invitae Variant Classification Sherloc (09022015). Collection method: clinical testing. Allele origin: germline.

PreventionGenetics, part of Exact Sciences
Classification: Likely benign for PIEZO1-related condition. Last evaluated: 2021-01-18. Review status: no assertion criteria provided. Collection method: clinical testing. Allele origin: germline. Not counted in ClinVar's aggregate classification.
Comment: This variant is classified as likely benign based on ACMG/AMP sequence variant interpretation guidelines (Richards et al. 2015 PMID: 25741868, with internal and published modifications).